The following is an entry in ClinVar:

NM_000899.5(KITLG):c.632C>T (p.Ser211Phe)

Gene: KITLG (KIT ligand; minus strand). Cytogenetic location: 12q21.32.
Variant type: single nucleotide variant.
Coding change: c.632C>T on transcript NM_000899.5 (MANE Select); coding-DNA position 632, C replaced by T.
Protein change: p.Ser211Phe; replaces serine 211 with phenylalanine.
Molecular consequence: missense variant.
Genome position (GRCh38, 1-based): chr12:88,507,110, G>A on the plus strand (C>T on the coding strand, the complement: KITLG is on the minus strand). VCF-style: chr12-88507110-G-A. GRCh37 (hg19) VCF-style: chr12-88900887-G-A.
Other names: p.Ser211Phe; c.548C>T, p.Ser183Phe (NM_003994.6); short protein forms S183F, S211F.
Identifiers: ClinVar variation 2683211 (VCV002683211.2), dbSNP rs369788844, ClinGen allele CA6713645.
Genomic context (GRCh38, chr12:88,507,110, plus strand): 5'-GCAAAGCCAATTATAAGAGAAAACAATGCTGGCAATGCCATGGCTGCCCAGTGTAGGCTG[G>A]AGTCTCCAGGGGGATTTTTGGCCTTCCCTATAATTTAAAGAACACACTGATGAATACAGC-3'
Protein context (NP_000890.1, residues 201-221): NRKAKNPPGD[Ser211Phe]SLHWAAMALP

ClinVar aggregate classification (germline): Uncertain significance. Review status: criteria provided, multiple submitters, no conflicts (2 of 4 stars). 2 submissions from 2 submitters: Uncertain significance (2). Last evaluated 2026-03-04.

Allele frequency attached by ClinVar (database versions not stated): gnomAD exomes below 0.00001; TOPMed below 0.00001; ExAC 0.00001; gnomAD 0.00001; ESP Exome Variant Server 0.00008.
gnomAD v4.1: 4 of 1,613,020 alleles (0.00025%); highest among the groups gnomAD compares: Non-Finnish European, 0.00034%; no homozygotes.

Submissions (2):

GeneDx
Classification: Uncertain significance. Last evaluated: 2026-03-04. Review status: criteria provided, single submitter. Criteria: GeneDx Variant Classification Process June 2021. Collection method: clinical testing. Allele origin: germline.
Comment: Not observed at significant frequency in large population cohorts (gnomAD); In silico analysis supports that this missense variant has a deleterious effect on protein structure/function; Has not been previously published as pathogenic or benign to our knowledge

Mayo Clinic Laboratories, Mayo Clinic
Classification: Uncertain significance. Last evaluated: 2022-08-30. Review status: criteria provided, single submitter. Criteria: ACMG Guidelines, 2015. Collection method: clinical testing. Allele origin: germline. Observed: 1 variant allele.
Comment: PM2